The following is an entry in ClinVar:

ClinVar aggregate classification (germline): Likely pathogenic (1 of 4 stars; one submission).

Conditions:
Combined immunodeficiency due to CD3gamma deficiency. Also called: CD3-GAMMA DEFICIENCY; SCID-LIKE IMMUNODEFICIENCY, T CELL-PARTIAL, B CELL-POSITIVE, NK CELL-POSITIVE; Immunodeficiency 17, CD3 gamma deficient; Immunodeficiency 17. Identifiers: Orphanet 169082, MedGen C3810107, MONDO:0014276, OMIM 615607.

Submission:

Laboratorio de Genetica e Diagnostico Molecular, Hospital Israelita Albert Einstein
Classification: Likely pathogenic for Combined immunodeficiency due to CD3gamma deficiency. Last evaluated: 2022-11-25. Review status: criteria provided, single submitter. Criteria: ACMG Guidelines, 2015. Collection method: clinical testing. Allele origin: germline. Affected: yes. Observed: 1 variant allele.
Comment: ACMG classification criteria: PVS1 strong, PM2 moderated

NM_000073.3:c.70_80del

Gene: CD3G (CD3 gamma subunit of T-cell receptor complex; plus strand).
Variant type: Deletion.
Other names: c.70_80del (NM_000073.3).
Identifiers: ClinVar variation 2431635 (VCV002431635.1).